The following is an entry in ClinVar:

NM_001136472.2(LITAF):c.449A>G (p.Asn150Ser)

Gene: LITAF (lipopolysaccharide induced TNF factor; minus strand). Cytogenetic location: 16p13.13.
Variant type: single nucleotide variant.
Coding change: c.449A>G on transcript NM_001136472.2 (MANE Select); coding-DNA position 449, A replaced by G.
Protein change: p.Asn150Ser; replaces asparagine 150 with serine.
Molecular consequence: missense variant. On other transcripts: 3 prime UTR variant (1), non-coding transcript variant (1).
Genome position (GRCh38, 1-based): chr16:11,549,674, T>C on the plus strand (A>G on the coding strand, the complement: LITAF is on the minus strand). VCF-style: chr16-11549674-T-C. GRCh37 (hg19) VCF-style: chr16-11643530-T-C.
Other names: c.*88A>G (NM_001136473.1); c.449A>G, p.Asn150Ser (NM_004862.4); short protein forms N150S.
Identifiers: ClinVar variation 2726567 (VCV002726567.3), dbSNP rs774258859, ClinGen allele CA7904016.

ClinVar aggregate classification (germline): Uncertain significance (1 of 4 stars; one submission).

Conditions:
Charcot-Marie-Tooth disease type 1C. Also called: CMT, SLOW NERVE CONDUCTION TYPE C; HMSN IC; Charcot-Marie-Tooth disease, type IC; CHARCOT-MARIE-TOOTH DISEASE, DEMYELINATING, TYPE 1C; CHARCOT-MARIE-TOOTH NEUROPATHY, TYPE 1C; NEUROPATHY, HEREDITARY MOTOR AND SENSORY, TYPE IC. Identifiers: Orphanet 101083, MedGen C0270913, MONDO:0010995, OMIM 601098.

Allele frequency attached by ClinVar (database versions not stated): ExAC 0.00001; TOPMed 0.00001; gnomAD 0.00002; gnomAD exomes 0.00002.
gnomAD v4.1: 30 of 1,613,520 alleles (0.0019%); highest among the groups gnomAD compares: African/African-American, 0.0027%; no homozygotes.

Submission:

Labcorp Genetics (formerly Invitae), Labcorp
Classification: Uncertain significance for Charcot-Marie-Tooth disease type 1C. Last evaluated: 2023-01-20. Review status: criteria provided, single submitter. Criteria: Invitae Variant Classification Sherloc (09022015). Collection method: clinical testing. Allele origin: germline.
Comment: In summary, the available evidence is currently insufficient to determine the role of this variant in disease. Therefore, it has been classified as a Variant of Uncertain Significance. Algorithms developed to predict the effect of missense changes on protein structure and function (SIFT, PolyPhen-2, Align-GVGD) all suggest that this variant is likely to be tolerated. This variant has not been reported in the literature in individuals affected with LITAF-related conditions. This variant is present in population databases (rs774258859, gnomAD 0.007%). This sequence change replaces asparagine, which is neutral and polar, with serine, which is neutral and polar, at codon 150 of the LITAF protein (p.Asn150Ser).